The following is an entry in ClinVar:

NM_001244008.2(KIF1A):c.5111A>G (p.Tyr1704Cys)

Gene: KIF1A (kinesin family member 1A; minus strand). Cytogenetic location: 2q37.3.
Variant type: single nucleotide variant.
Coding change: c.5111A>G on transcript NM_001244008.2 (MANE Select); coding-DNA position 5111, A replaced by G.
Protein change: p.Tyr1704Cys; replaces tyrosine 1704 with cysteine.
Molecular consequence: missense variant.
Genome position (GRCh38, 1-based): chr2:240,719,109, T>C on the plus strand (A>G on the coding strand, the complement: KIF1A is on the minus strand). VCF-style: chr2-240719109-T-C. GRCh37 (hg19) VCF-style: chr2-241658526-T-C.
Other names: c.4835A>G, p.Tyr1612Cys (NM_001320705.2, NM_001379649.1); c.4862A>G, p.Tyr1621Cys (NM_001330289.2); c.4910A>G, p.Tyr1637Cys (NM_001330290.2, NM_001379648.1); c.5186A>G, p.Tyr1729Cys (NM_001379631.1); c.5087A>G, p.Tyr1696Cys (NM_001379632.1); c.5084A>G, p.Tyr1695Cys (NM_001379633.1, NM_001379645.1); c.4937A>G, p.Tyr1646Cys (NM_001379634.1); c.4934A>G, p.Tyr1645Cys (NM_001379635.1, NM_001379646.1); and 7 more; short protein forms Y1641C, Y1645C, Y1628C, Y1704C, Y1729C, Y1611C, Y1612C, Y1637C.
Identifiers: ClinVar variation 2954066 (VCV002954066.3), dbSNP rs2536594179, ClinGen allele CA351298370.
Genomic context (GRCh38, chr2:240,719,109, plus strand): 5'-GTGGCCAGGTTGAGCACGAACCGCTCCACGGTGTCCTTGTCGCTGTTGTACATGTAGGCA[T>C]AGGGGCGCCGCACCACCACGAAGCGCCTGGCCCAGCCTGACGTGTGCGGCTCCAGGAAGT-3'
Protein context (NP_001230937.1, residues 1694-1714): ARRFVVVRRP[Tyr1704Cys]AYMYNSDKDT

ClinVar aggregate classification (germline): Uncertain significance (1 of 4 stars; one submission).

Conditions:
Neuropathy, hereditary sensory, type 2C. Also called: KIF1A-Related HSAN2 (HSAN2C); Hereditary sensory and autonomic neuropathy type IIC. Identifiers: Orphanet 970, MedGen C3280168, MONDO:0013634, OMIM 614213.
Hereditary spastic paraplegia 30. Identifiers: Orphanet 101010, MedGen C5235139, MONDO:0012476.
Intellectual disability, autosomal dominant 9 (NESCAVS). Also called: NESCAV SYNDROME; KIF1A-Related Neurodevelopmental Disorder. Identifiers: Orphanet 662367, MedGen C5393830, MONDO:0013656, OMIM 614255.

Submission:

Labcorp Genetics (formerly Invitae), Labcorp
Classification: Uncertain significance for Hereditary spastic paraplegia 30; Neuropathy, hereditary sensory, type 2C; Intellectual disability, autosomal dominant 9. Last evaluated: 2023-11-20. Review status: criteria provided, single submitter. Criteria: Invitae Variant Classification Sherloc (09022015). Collection method: clinical testing. Allele origin: germline.
Comment: This sequence change replaces tyrosine, which is neutral and polar, with cysteine, which is neutral and slightly polar, at codon 1603 of the KIF1A protein (p.Tyr1603Cys). This variant is not present in population databases (gnomAD no frequency). This variant has not been reported in the literature in individuals affected with KIF1A-related conditions. Advanced modeling of protein sequence and biophysical properties (such as structural, functional, and spatial information, amino acid conservation, physicochemical variation, residue mobility, and thermodynamic stability) performed at Invitae indicates that this missense variant is not expected to disrupt KIF1A protein function with a negative predictive value of 95%. In summary, the available evidence is currently insufficient to determine the role of this variant in disease. Therefore, it has been classified as a Variant of Uncertain Significance.